The following is an entry in ClinVar:

NM_004733.4(SLC33A1):c.1559T>G (p.Ile520Ser)

Gene: SLC33A1 (solute carrier family 33 member 1; minus strand). Cytogenetic location: 3q25.31.
Variant type: single nucleotide variant.
Coding change: c.1559T>G on transcript NM_004733.4 (MANE Select); coding-DNA position 1559, T replaced by G.
Protein change: p.Ile520Ser; replaces isoleucine 520 with serine.
Molecular consequence: missense variant.
Genome position (GRCh38, 1-based): chr3:155,828,301, A>C on the plus strand (T>G on the coding strand, the complement: SLC33A1 is on the minus strand). VCF-style: chr3-155828301-A-C. GRCh37 (hg19) VCF-style: chr3-155546090-A-C.
Other names: c.1559T>G, p.Ile520Ser (NM_001190992.2); c.1253T>G, p.Ile418Ser (NM_001363883.1); short protein forms I418S, I520S.
Identifiers: ClinVar variation 1512443 (VCV001512443.6), dbSNP rs777143987, ClinGen allele CA355139815.

ClinVar aggregate classification (germline): Uncertain significance (1 of 4 stars; one submission).

Conditions:
Spastic paraplegia. Identifiers: MedGen C0037772, HP:0001258.

gnomAD v4.1: 4 of 1,606,000 alleles (0.00025%); highest among the groups gnomAD compares: Non-Finnish European, 0.00026%; no homozygotes.

Submission:

Labcorp Genetics (formerly Invitae), Labcorp
Classification: Uncertain significance for Spastic paraplegia. Last evaluated: 2022-09-27. Review status: criteria provided, single submitter. Criteria: Invitae Variant Classification Sherloc (09022015). Collection method: clinical testing. Allele origin: germline.
Comment: This sequence change replaces isoleucine, which is neutral and non-polar, with serine, which is neutral and polar, at codon 520 of the SLC33A1 protein (p.Ile520Ser). This variant is present in population databases (no rsID available, gnomAD 0.0009%). This variant has not been reported in the literature in individuals affected with SLC33A1-related conditions. ClinVar contains an entry for this variant (Variation ID: 1512443). Advanced modeling of protein sequence and biophysical properties (such as structural, functional, and spatial information, amino acid conservation, physicochemical variation, residue mobility, and thermodynamic stability) has been performed at Invitae for this missense variant, however the output from this modeling did not meet the statistical confidence thresholds required to predict the impact of this variant on SLC33A1 protein function. Algorithms developed to predict the effect of sequence changes on RNA splicing suggest that this variant may create or strengthen a splice site. In summary, the available evidence is currently insufficient to determine the role of this variant in disease. Therefore, it has been classified as a Variant of Uncertain Significance.